The following is an entry in ClinVar:

NM_016247.4(IMPG2):c.14C>T (p.Pro5Leu)

Gene: IMPG2 (interphotoreceptor matrix proteoglycan 2; minus strand). Cytogenetic location: 3q12.3.
Variant type: single nucleotide variant.
Coding change: c.14C>T on transcript NM_016247.4 (MANE Select); coding-DNA position 14, C replaced by T.
Protein change: p.Pro5Leu; replaces proline 5 with leucine.
Molecular consequence: missense variant.
Genome position (GRCh38, 1-based): chr3:101,320,359, G>A on the plus strand (C>T on the coding strand, the complement: IMPG2 is on the minus strand). VCF-style: chr3-101320359-G-A. GRCh37 (hg19) VCF-style: chr3-101039203-G-A.
Other names: short protein forms P5L.
Identifiers: ClinVar variation 1035213 (VCV001035213.8), dbSNP rs2058805423, ClinGen allele CA353859603.
Genomic context (GRCh38, chr3:101,320,359, plus strand): 5'-GGAAAGTCTCCTTCTATCAGGACAAATATCAAAATACCCAGAGAAATCTTCCCAAAAAGA[G>A]GAAACATAATCATTTGGGCCAAAACCAAAGGAATGAGGAGAGGACAGAATCCTTAATTGA-3'
Protein context (NP_057331.2, residues 1-15): MIMF[Pro5Leu]LFGKISLGIL

ClinVar aggregate classification (germline): Uncertain significance (1 of 4 stars; one submission).

Allele frequency attached by ClinVar (database versions not stated): TOPMed below 0.00001.
gnomAD v4.1: 1 of 1,606,954 alleles (0.000062%); highest among the groups gnomAD compares: Admixed American, 0.0017%; no homozygotes.

Submission:

Labcorp Genetics (formerly Invitae), Labcorp
Classification: Uncertain significance. Last evaluated: 2022-08-15. Review status: criteria provided, single submitter. Criteria: Invitae Variant Classification Sherloc (09022015). Collection method: clinical testing. Allele origin: germline.
Comment: In summary, the available evidence is currently insufficient to determine the role of this variant in disease. Therefore, it has been classified as a Variant of Uncertain Significance. Algorithms developed to predict the effect of missense changes on protein structure and function output the following: SIFT: "Tolerated"; PolyPhen-2: "Benign"; Align-GVGD: "Class C0". The leucine amino acid residue is found in multiple mammalian species, which suggests that this missense change does not adversely affect protein function. ClinVar contains an entry for this variant (Variation ID: 1035213). This variant has not been reported in the literature in individuals affected with IMPG2-related conditions. This variant is not present in population databases (gnomAD no frequency). This sequence change replaces proline, which is neutral and non-polar, with leucine, which is neutral and non-polar, at codon 5 of the IMPG2 protein (p.Pro5Leu).